The following is an entry in ClinVar:

NM_001374736.1(DST):c.4083_4086dup (p.Val1363Ter)

Gene: DST (dystonin; minus strand). Cytogenetic location: 6p12.1.
Variant type: Duplication.
Coding change: c.4083_4086dup on transcript NM_001374736.1 (MANE Select); coding-DNA positions 4083 to 4086, 4 bases duplicated (TAAT; older notation c.4083_4086dupTAAT).
Protein change: p.Val1363Ter; replaces valine 1363 with a stop codon.
Molecular consequence: nonsense.
Genome position (GRCh38, 1-based): chr6:56,631,267-56,631,270, ATTA duplicated on the plus strand (TAAT on the coding strand, the reverse complement: DST is on the minus strand); duplicating any 4 consecutive bases within chr6:56,631,267-56,631,271 gives the same sequence; the c. name uses the placement nearest the transcript's 3' end. VCF-style (leftmost placement, unchanged base first): chr6-56631266-C-CATTA. GRCh37 (hg19) VCF-style: chr6-56496064-C-CATTA.
Other names: c.3984_3987dup, p.Val1330Ter (NM_001144769.5); c.3570_3573dup, p.Val1192Ter (NM_001144770.2); c.4083_4086dup, p.Val1363Ter (NM_001374722.1); c.3450_3453dup, p.Val1152Ter (NM_001374729.1, NM_001374730.1, NM_001386100.1 and 1 more transcripts); c.4110_4113dup, p.Val1372Ter (NM_001374734.1); c.2472_2475dup, p.Val826Ter (NM_001723.7, NM_015548.5); short protein forms V1152*, V1192*, V1330*, V1363*, V1372*, V826*.
Identifiers: ClinVar variation 1072927 (VCV001072927.7), dbSNP rs2152759445, ClinGen allele CA2499218421.
Genomic context (GRCh38, chr6:56,631,266, plus strand): 5'-CATACTTATCTATGTAAGTGGAAGACATAGAATAGACTTGGTTCATGTTCTGAAGGACCA[C>CATTA]ATTAAGCTCTGATCGTAGGGTAGGGACTGATGAAGAGGCTGCTGCTTGACTGAAAAACTC-3'

ClinVar aggregate classification (germline): Pathogenic (1 of 4 stars; one submission).

Conditions:
Hereditary sensory and autonomic neuropathy type 6. Also called: Neuropathy, hereditary sensory and autonomic, type VI; HSAN VI. Identifiers: Orphanet 314381, MedGen C3539003, MONDO:0013839, OMIM 614653.
Epidermolysis bullosa simplex 3, localized or generalized intermediate, with BP230 deficiency (EBS3). Also called: Epidermolysis bullosa simplex due to BP230 deficiency; Epidermolysis bullosa simplex, autosomal recessive 2. Identifiers: Orphanet 412181, MedGen C3809470, MONDO:0014180, OMIM 615425.

Submission:

Labcorp Genetics (formerly Invitae), Labcorp
Classification: Pathogenic for Epidermolysis bullosa simplex 3, localized or generalized intermediate, with BP230 deficiency; Hereditary sensory and autonomic neuropathy type 6. Last evaluated: 2020-07-03. Review status: criteria provided, single submitter. Criteria: Invitae Variant Classification Sherloc (09022015). Collection method: clinical testing. Allele origin: germline.
Comment: For these reasons, this variant has been classified as Pathogenic. Loss-of-function variants in DST are known to be pathogenic (PMID: 22522446, 25059916, 30371979). This variant has not been reported in the literature in individuals with DST-related conditions. This variant is not present in population databases (ExAC no frequency). This sequence change creates a premature translational stop signal (p.Val826*) in the DST gene. It is expected to result in an absent or disrupted protein product.

Literature cited by the submitters: PubMed 22522446; PubMed 25059916; PubMed 30371979.